The following is an entry in ClinVar:

NM_207361.6(FREM2):c.3612G>A (p.Met1204Ile)

Gene: FREM2 (FRAS1 related extracellular matrix 2; plus strand). Cytogenetic location: 13q13.3.
Variant type: single nucleotide variant.
Coding change: c.3612G>A on transcript NM_207361.6 (MANE Select); coding-DNA position 3612, G replaced by A.
Protein change: p.Met1204Ile; replaces methionine 1204 with isoleucine.
Molecular consequence: missense variant.
Genome position (GRCh38, 1-based): chr13:38,690,956, G>A. VCF-style: chr13-38690956-G-A. GRCh37 (hg19) VCF-style: chr13-39265093-G-A.
Other names: c.3612G>A (NM_207361.4, NM_207361.5); short protein forms M1204I.
Identifiers: ClinVar variation 2421441 (VCV002421441.6), dbSNP rs115725479, ClinGen allele CA6954818.
Genomic context (GRCh38, chr13:38,690,956, plus strand): 5'-TCCCACCAATGATGAACAGCCAGAGATGTTTATGAGAGAATTTATGGTGATGGAAGGCAT[G>A]AGTCTGGTAATTGATACACCCATTCTCAATGCTGCTGATGCTGATGTTCCCCTGGATGAT-3'
Protein context (NP_997244.4, residues 1194-1214): FMREFMVMEG[Met1204Ile]SLVIDTPILN

ClinVar aggregate classification (germline): Conflicting classifications of pathogenicity. Review status: criteria provided, conflicting classifications (1 of 4 stars). 4 submissions from 4 submitters: Uncertain significance (3); Likely benign (1). Last evaluated 2026-04-03.

Conditions:
FREM2-related disorder. Also called: FREM2-related condition.
Isolated cryptophthalmia. Also called: Cryptophthalmos, unilateral or bilateral, isolated; ANKYLOBLEPHARON, SIMPLE. Identifiers: Orphanet 91396, MedGen C1852453, MONDO:0007410, OMIM 123570.
Fraser syndrome 2 (FRASRS2). Identifiers: MedGen C4540036, MONDO:0054738, OMIM 617666.
Inborn genetic diseases. Identifiers: MedGen C0950123, MeSH D030342.

Allele frequency attached by ClinVar (database versions not stated): gnomAD exomes 0.00004; ExAC 0.00014; gnomAD 0.00046; TOPMed 0.00052; ESP Exome Variant Server 0.00054; 1000 Genomes Project 0.00060; 1000 Genomes Project 30x 0.00062.

Submissions (4):

PreventionGenetics, part of Exact Sciences
Classification: Likely benign for FREM2-related condition. Last evaluated: 2026-04-03. Review status: criteria provided, single submitter. Criteria: ACMG Guidelines, 2015. Collection method: clinical testing. Allele origin: germline.
Comment: This variant is classified as likely benign based on ACMG/AMP sequence variant interpretation guidelines (Richards et al. 2015 PMID: 25741868, with internal and published modifications).

Ambry Genetics
Classification: Uncertain significance for Inborn genetic diseases. Last evaluated: 2024-10-20. Review status: criteria provided, single submitter. Criteria: Ambry Variant Classification Scheme 2023. Collection method: clinical testing. Allele origin: germline.

Fulgent Genetics
Classification: Uncertain significance for Isolated cryptophthalmia; Fraser syndrome 2. Last evaluated: 2024-03-04. Review status: criteria provided, single submitter. Criteria: ACMG Guidelines, 2015. Collection method: clinical testing. Allele origin: germline.

Labcorp Genetics (formerly Invitae), Labcorp
Classification: Uncertain significance. Last evaluated: 2022-06-25. Review status: criteria provided, single submitter. Criteria: Invitae Variant Classification Sherloc (09022015). Collection method: clinical testing. Allele origin: germline.
Comment: This sequence change replaces methionine, which is neutral and non-polar, with isoleucine, which is neutral and non-polar, at codon 1204 of the FREM2 protein (p.Met1204Ile). This variant is present in population databases (rs115725479, gnomAD 0.2%). This variant has not been reported in the literature in individuals affected with FREM2-related conditions. Algorithms developed to predict the effect of missense changes on protein structure and function are either unavailable or do not agree on the potential impact of this missense change (SIFT: "Deleterious"; PolyPhen-2: "Benign"; Align-GVGD: "Class C0"). In summary, the available evidence is currently insufficient to determine the role of this variant in disease. Therefore, it has been classified as a Variant of Uncertain Significance.